The following is an entry in ClinVar:

ClinVar aggregate classification (germline): Uncertain significance (1 of 4 stars; one submission).

Conditions:
Rubinstein-Taybi syndrome due to CREBBP mutations (RSTS1). Also called: RUBINSTEIN SYNDROME; BROAD THUMBS AND GREAT TOES, CHARACTERISTIC FACIES, AND IMPAIRED INTELLECTUAL DEVELOPMENT; RUBINSTEIN-TAYBI SYNDROME 1, INCOMPLETE; BROAD THUMB-HALLUX SYNDROME; Rubinstein-Taybi syndrome 1; CREBBP-Related Rubinstein-Taybi Syndrome. Identifiers: Orphanet 353277, Orphanet 783, MedGen C4551859, MONDO:0008393, OMIM 180849.
Menke-Hennekam syndrome 1 (MKHK1). Identifiers: MedGen C5193034, MONDO:0020763, OMIM 618332.

Submission:

Diagnostics Services (NGS), CSIR - Centre For Cellular And Molecular Biology
Classification: Uncertain significance for Rubinstein-Taybi syndrome due to CREBBP mutations; Menke-Hennekam syndrome 1. Last evaluated: 2021-11-16. Review status: criteria provided, single submitter. Criteria: ACMG Guidelines, 2015. Collection method: clinical testing. Allele origin: unknown. Inheritance: Autosomal dominant inheritance. Affected: yes. Observed: 1 variant allele, 1 heterozygote.
Comment: The c.5462A>G variant is not present in publicly available population databases like 1000 Genomes, Exome Variant Server (EVS), Exome Aggregation Consortium (ExAC), Genome Aggregation Database (gnomAD) and dbSNP. The variant is not present in Indian Exome Database and in our in-house exome database. The variant was not earlier reported to ClinVar, Human Genome Mutation Database and/or OMIM databases in any affected individuals. In-silico pathogenicity prediction programs like SIFT, PolyPhen-2, MutationTaster2, CADD, Varsome etc. predicted this variant to be likely deleterious. The variant is located in a mutational hotspot and critical functional domain of the protein that interacts with another protein TRERF1 [PMID:11349124].

NM_004380.3(CREBBP):c.5462A>G (p.Gln1821Arg)

Gene: CREBBP (CREB binding lysine acetyltransferase; minus strand). Cytogenetic location: 16p13.3.
Variant type: single nucleotide variant.
Coding change: c.5462A>G on transcript NM_004380.3 (MANE Select); coding-DNA position 5462, A replaced by G.
Protein change: p.Gln1821Arg; replaces glutamine 1821 with arginine.
Molecular consequence: missense variant.
Genome position (GRCh38, 1-based): chr16:3,729,585, T>C on the plus strand (A>G on the coding strand, the complement: CREBBP is on the minus strand). VCF-style: chr16-3729585-T-C. GRCh37 (hg19) VCF-style: chr16-3779586-T-C.
Other names: c.5348A>G, p.Gln1783Arg (NM_001079846.1); short protein forms Q1783R, Q1821R.
Identifiers: ClinVar variation 1329488 (VCV001329488.3), dbSNP rs1448187215, ClinGen allele CA394556281.